The following is an entry in ClinVar:

NM_000179.3(MSH6):c.112C>A (p.Pro38Thr)

Gene: MSH6 (mutS homolog 6; plus strand). Cytogenetic location: 2p16.3.
Variant type: single nucleotide variant.
Coding change: c.112C>A on transcript NM_000179.3 (MANE Select); coding-DNA position 112, C replaced by A.
Protein change: p.Pro38Thr; replaces proline 38 with threonine.
Molecular consequence: missense variant. On other transcripts: 5 prime UTR variant (1), synonymous variant (1).
Genome position (GRCh38, 1-based): chr2:47,783,345, C>A. VCF-style: chr2-47783345-C-A. GRCh37 (hg19) VCF-style: chr2-48010484-C-A.
Other names: c.112C>A, p.Pro38Thr (NM_001281492.2, NM_001406795.1, NM_001406796.1 and 9 more transcripts); c.-625C>A (NM_001281493.2, NM_001406811.1); c.-217C>A (NM_001406799.1); c.57C>A, p.Pro19= (NM_001406804.1); c.-817C>A (NM_001406807.1); c.-472C>A (NM_001406812.1); c.-883C>A (NM_001406814.1); c.-428C>A (NM_001406816.1); short protein forms P38T.
Identifiers: ClinVar variation 1727867 (VCV001727867.3), dbSNP rs764009461, ClinGen allele CA346734855.

ClinVar aggregate classification (germline): Conflicting classifications of pathogenicity. Review status: criteria provided, conflicting classifications (1 of 4 stars). 2 submissions from 2 submitters: Uncertain significance (1); Likely benign (1). Last evaluated 2025-12-06.

Conditions:
Hereditary nonpolyposis colorectal neoplasms. Identifiers: MedGen C0009405, MeSH D003123.
Hereditary cancer-predisposing syndrome. Also called: Tumor predisposition; Neoplastic Syndromes, Hereditary; Hereditary Cancer Syndrome; Hereditary neoplastic syndrome. Identifiers: Orphanet 140162, MedGen C0027672, MeSH D009386, MONDO:0015356.

Submissions (2):

Labcorp Genetics (formerly Invitae), Labcorp
Classification: Uncertain significance for Hereditary nonpolyposis colorectal neoplasms. Last evaluated: 2025-12-06. Review status: criteria provided, single submitter. Criteria: Invitae Variant Classification Sherloc (09022015). Collection method: clinical testing. Allele origin: germline.
Comment: This sequence change replaces proline, which is neutral and non-polar, with threonine, which is neutral and polar, at codon 38 of the MSH6 protein (p.Pro38Thr). This variant is not present in population databases (gnomAD no frequency). This variant has not been reported in the literature in individuals affected with MSH6-related conditions. ClinVar contains an entry for this variant (Variation ID: 1727867). Invitae Evidence Modeling of protein sequence and biophysical properties (such as structural, functional, and spatial information, amino acid conservation, physicochemical variation, residue mobility, and thermodynamic stability) indicates that this missense variant is not expected to disrupt MSH6 protein function with a negative predictive value of 95%. In summary, the available evidence is currently insufficient to determine the role of this variant in disease. Therefore, it has been classified as a Variant of Uncertain Significance.

Ambry Genetics
Classification: Likely benign for Hereditary cancer-predisposing syndrome. Last evaluated: 2020-04-07. Review status: criteria provided, single submitter. Criteria: Ambry Variant Classification Scheme 2023. Collection method: clinical testing. Allele origin: germline.